The following is an entry in ClinVar:

ClinVar aggregate classification (germline): Uncertain significance (1 of 4 stars; one submission).

Conditions:
Premature ovarian insufficiency (POF). Also called: Premature ovarian failure. Identifiers: MedGen C4303540, HP:0008209.

Allele frequency attached by ClinVar (database versions not stated): ExAC 0.00002; TOPMed 0.00006; gnomAD 0.00007 and 0.00006; gnomAD exomes below 0.00001 and 0.00002; ESP Exome Variant Server 0.00008.
gnomAD v4.1: 17 of 1,561,036 alleles (0.0011%); highest among the groups gnomAD compares: African/African-American, 0.015%; no homozygotes.

Submission:

Lupski Lab, Baylor-Hopkins CMG, Baylor College of Medicine
Classification: Uncertain significance for Primary Ovarian Insufficiency. Last evaluated: 2019-04-22. Review status: criteria provided, single submitter. Criteria: Jolly et al. (J Clin Endocrinol Metab. 2019). Collection method: research. Allele origin: inherited, unknown. Inheritance: Autosomal recessive inheritance. Affected: yes and no. Observed: 3 variant alleles, 2 heterozygotes, 1 homozygote. Clinical features observed: Hypergonadotropic hypogonadism (HP:0000815).

NM_178822.5(IGSF10):c.346A>G (p.Lys116Glu)

Gene: IGSF10 (immunoglobulin superfamily member 10; minus strand). Cytogenetic location: 3q25.1.
Variant type: single nucleotide variant.
Coding change: c.346A>G on transcript NM_178822.5 (MANE Select); coding-DNA position 346, A replaced by G.
Protein change: p.Lys116Glu; replaces lysine 116 with glutamic acid.
Molecular consequence: missense variant.
Genome position (GRCh38, 1-based): chr3:151,453,753, T>C on the plus strand (A>G on the coding strand, the complement: IGSF10 is on the minus strand). VCF-style: chr3-151453753-T-C. GRCh37 (hg19) VCF-style: chr3-151171541-T-C.
Other names: c.346A>G, p.Lys116Glu (NM_001385060.1, NM_001385061.1, NM_001385062.1 and 1 more transcripts); short protein forms K116E.
Identifiers: ClinVar variation 812139 (VCV000812139.1), dbSNP rs370577610, ClinGen allele CA2670781.